The following is an entry in ClinVar:

NM_003383.5(VLDLR):c.2252-1G>A

Gene: VLDLR (very low density lipoprotein receptor; plus strand). Cytogenetic location: 9p24.2.
Variant type: single nucleotide variant.
Coding change: c.2252-1G>A on transcript NM_003383.5 (MANE Select); the canonical splice acceptor site of the intron before coding-DNA position 2252, G replaced by A.
Molecular consequence: splice acceptor variant. On other transcripts: intron variant (2).
Genome position (GRCh38, 1-based): chr9:2,651,414, G>A. VCF-style: chr9-2651414-G-A. GRCh37 (hg19) VCF-style: chr9-2651414-G-A.
Other names: c.2252-460G>A (NM_001018056.3); c.2129-1G>A (NM_001322225.2); c.2129-460G>A (NM_001322226.2).
Identifiers: ClinVar variation 4881505 (VCV004881505.2).
Genomic context (GRCh38, chr9:2,651,414, plus strand): 5'-CAAAACAGCTAGCCATGCTGGAACCCTGGCATTAACCAGGTTCTTGGTTTTTATAATTCA[G>A]GTACTGCAACTACTGTGACTTACAGTGAGACAAAAGATACGAACACAACAGAAATTTCAG-3'

ClinVar aggregate classification (germline): Likely pathogenic (1 of 4 stars; one submission).

gnomAD v4.1: 1 of 1,613,502 alleles (0.000062%); highest among the groups gnomAD compares: African/African-American, 0.0013%; no homozygotes.

Submission:

Dasa
Classification: Likely pathogenic. Last evaluated: 2026-04-15. Review status: criteria provided, single submitter. Criteria: DASA Assertion Criteria. Collection method: clinical testing. Allele origin: germline.
Comment: NM_003383.5(VLDLR):c.2252-1G>A affects a canonical splice site and is predicted to disrupt normal RNA splicing. Loss of function is an established disease mechanism for VLDLR-associated disorders. Also, this variant is rare in population databases. Based on the currently available evidence, this variant is classified as likely pathogenic.